The following is an entry in ClinVar:

NM_000051.4(ATM):c.6681C>A (p.Arg2227=)

Genes: ATM (ATM serine/threonine kinase; plus strand), C11orf65 (chromosome 11 open reading frame 65; minus strand). Cytogenetic location: 11q22.3.
Variant type: single nucleotide variant.
Coding change: c.6681C>A on transcript NM_000051.4 (MANE Select); coding-DNA position 6681, C replaced by A.
Protein change: p.Arg2227=; no amino-acid change (arginine 2227 retained).
Molecular consequence: synonymous variant. On other transcripts: intron variant (2).
Genome position (GRCh38, 1-based): chr11:108,325,418, C>A. VCF-style: chr11-108325418-C-A. GRCh37 (hg19) VCF-style: chr11-108196145-C-A.
Other names: c.6681C>A, p.Arg2227= (NM_001351834.2); c.641-16347G>T (NM_001330368.2); c.*38+9802G>T (NM_001351110.2).
Identifiers: ClinVar variation 633053 (VCV000633053.12), dbSNP rs775850434, ClinGen allele CA476745394.

ClinVar aggregate classification (germline): Benign/Likely benign. Review status: criteria provided, multiple submitters, no conflicts (2 of 4 stars). 4 submissions from 4 submitters: Benign (1); Likely benign (3). Last evaluated 2024-06-10.

Conditions:
Ataxia-telangiectasia syndrome (AT). Also called: Ataxia-telangiectasia, complementation group D; AT, COMPLEMENTATION GROUP C; ATAXIA-TELANGIECTASIA, COMPLEMENTATION GROUP A; ATAXIA-TELANGIECTASIA, FRESNO VARIANT; Ataxia-telangiectasia; LOUIS-BAR SYNDROME. Identifiers: Orphanet 100, MedGen C0004135, MONDO:0008840, OMIM 208900.
Hereditary cancer-predisposing syndrome. Also called: Tumor predisposition; Hereditary neoplastic syndrome; Neoplastic Syndromes, Hereditary; Hereditary Cancer Syndrome. Identifiers: Orphanet 140162, MedGen C0027672, MeSH D009386, MONDO:0015356.
Familial cancer of breast. Also called: Hereditary breast cancer; BREAST CANCER, FAMILIAL; hereditary breast carcinoma. Identifiers: Orphanet 227535, MedGen C0346153, MONDO:0016419, OMIM 114480. Disease mechanism: loss of function.

gnomAD v4.1: 1 of 1,613,752 alleles (0.000062%); highest among the groups gnomAD compares: Non-Finnish European, 0.000085%; no homozygotes.

Submissions (4):

Myriad Genetics, Inc.
Classification: Benign for Familial cancer of breast. Last evaluated: 2024-06-10. Review status: criteria provided, single submitter. Criteria: Myriad Autosomal Dominant, Autosomal Recessive and X-Linked Classification Criteria (2023). Collection method: clinical testing. Allele origin: unknown.
Comment: This variant is considered benign. This variant is a silent/synonymous amino acid change and it is not expected to impact splicing.

Ambry Genetics
Classification: Likely benign for Hereditary cancer-predisposing syndrome. Last evaluated: 2023-01-30. Review status: criteria provided, single submitter. Criteria: Ambry Variant Classification Scheme 2023. Collection method: clinical testing. Allele origin: germline.

Labcorp Genetics (formerly Invitae), Labcorp
Classification: Likely benign for Ataxia-telangiectasia syndrome. Last evaluated: 2022-08-10. Review status: criteria provided, single submitter. Criteria: Invitae Variant Classification Sherloc (09022015). Collection method: clinical testing. Allele origin: germline.

Women's Health and Genetics/Laboratory Corporation of America, LabCorp
Classification: Likely benign. Last evaluated: 2019-08-21. Review status: criteria provided, single submitter. Criteria: LabCorp Variant Classification Summary - May 2015. Collection method: clinical testing. Allele origin: germline.